The following is an entry in ClinVar:

NM_020778.5(ALPK3):c.2509C>T (p.Gln837Ter)

Gene: ALPK3 (alpha kinase 3; plus strand). Cytogenetic location: 15q25.3.
Variant type: single nucleotide variant.
Coding change: c.2509C>T on transcript NM_020778.5 (MANE Select); coding-DNA position 2509, C replaced by T.
Protein change: p.Gln837Ter; replaces glutamine 837 with a stop codon.
Molecular consequence: nonsense.
Genome position (GRCh38, 1-based): chr15:84,857,247, C>T. VCF-style: chr15-84857247-C-T. GRCh37 (hg19) VCF-style: chr15-85400478-C-T.
Other names: short protein forms Q837*.
Identifiers: ClinVar variation 2746487 (VCV002746487.3), dbSNP rs2505720338, ClinGen allele CA393357408.
Genomic context (GRCh38, chr15:84,857,247, plus strand): 5'-AGATGCCGAGGGCCACAGTCATCAGGCCCAGTCGAGGCCAAGCAGGAGGACAGCCCGTTC[C>T]AGTGCCCCAAGGAGGAGCGGCCAGGGGGAGTGCCGTGTATGGATCAGGGTGGCTGTCCTC-3'

ClinVar aggregate classification (germline): Pathogenic (1 of 4 stars; one submission).

Allele frequency attached by ClinVar (database versions not stated): gnomAD exomes below 0.00001.
gnomAD v4.1: 1 of 1,614,050 alleles (0.000062%); highest among the groups gnomAD compares: East Asian, 0.0022%; no homozygotes.

Submission:

Labcorp Genetics (formerly Invitae), Labcorp
Classification: Pathogenic. Last evaluated: 2023-09-21. Review status: criteria provided, single submitter. Criteria: Invitae Variant Classification Sherloc (09022015). Collection method: clinical testing. Allele origin: germline.
Comment: For these reasons, this variant has been classified as Pathogenic. This variant has not been reported in the literature in individuals affected with ALPK3-related conditions. This variant is not present in population databases (gnomAD no frequency). This sequence change creates a premature translational stop signal (p.Gln1039*) in the ALPK3 gene. It is expected to result in an absent or disrupted protein product. Loss-of-function variants in ALPK3 are known to be pathogenic (PMID: 21441111, 26846950, 27106955, 34263907).

Literature cited by the submitters: PubMed 21441111; PubMed 26846950; PubMed 27106955; PubMed 34263907.